The following is an entry in ClinVar:

NM_000256.3(MYBPC3):c.1667_1670del (p.Val556fs)

Gene: MYBPC3 (myosin binding protein C3; minus strand). Cytogenetic location: 11p11.2.
Variant type: Deletion.
Coding change: c.1667_1670del on transcript NM_000256.3 (MANE Select); coding-DNA positions 1667 to 1670, 4 bases deleted (TGGG; older notation c.1667_1670delTGGG).
Protein change: p.Val556fs; shifts the reading frame from valine 556.
Molecular consequence: frameshift variant.
Genome position (GRCh38, 1-based): chr11:47,342,111-47,342,114, CCCA deleted on the plus strand (TGGG on the coding strand, the reverse complement: MYBPC3 is on the minus strand); deleting any 4 consecutive bases within chr11:47,342,111-47,342,116 gives the same sequence; the c. name uses the placement nearest the transcript's 3' end. VCF-style (leftmost placement, unchanged base first): chr11-47342110-GCCCA-G. GRCh37 (hg19) VCF-style: chr11-47363661-GCCCA-G.
Other names: c.1667_1670delTGGG (NM_000256.3); short protein forms V556fs.
Identifiers: ClinVar variation 5025028 (VCV005025028.1).

ClinVar aggregate classification (germline): Pathogenic (1 of 4 stars; one submission).

Conditions:
Cardiovascular phenotype. Identifiers: MedGen CN230736.

Submission:

Ambry Genetics
Classification: Pathogenic for Cardiovascular phenotype. Last evaluated: 2026-08-27. Review status: criteria provided, single submitter. Criteria: Ambry Variant Classification Scheme 2023. Collection method: clinical testing. Allele origin: germline.
Comment: The c.1667_1670delTGGG pathogenic mutation, located in coding exon 18 of the MYBPC3 gene, results from a deletion of 4 nucleotides at nucleotide positions 1667 to 1670, causing a translational frameshift with a predicted alternate stop codon (p.V556Afs*22). This variant is considered to be rare based on population cohorts in the Genome Aggregation Database (gnomAD). This alteration is expected to result in loss of function by premature protein truncation or nonsense-mediated mRNA decay. As such, this alteration is interpreted as a disease-causing mutation.